The following is an entry in ClinVar:

NM_001083962.2(TCF4):c.1099G>A (p.Gly367Arg)

Gene: TCF4 (transcription factor 4; minus strand). Cytogenetic location: 18q21.2.
Variant type: single nucleotide variant.
Coding change: c.1099G>A on transcript NM_001083962.2 (MANE Select); coding-DNA position 1099, G replaced by A.
Protein change: p.Gly367Arg; replaces glycine 367 with arginine.
Molecular consequence: missense variant.
Genome position (GRCh38, 1-based): chr18:55,257,362, C>T on the plus strand (G>A on the coding strand, the complement: TCF4 is on the minus strand). VCF-style: chr18-55257362-C-T. GRCh37 (hg19) VCF-style: chr18-52924593-C-T.
Other names: c.1405G>A, p.Gly469Arg (NM_001243226.3); c.1027G>A, p.Gly343Arg (NM_001243227.2, NM_001306207.1, NM_001348217.1 and 5 more transcripts); c.1117G>A, p.Gly373Arg (NM_001243228.2); c.1090G>A, p.Gly364Arg (NM_001243230.2); c.973G>A, p.Gly325Arg (NM_001243231.2, NM_001348211.2); c.886G>A, p.Gly296Arg (NM_001243232.1, NM_001306208.1); c.709G>A, p.Gly237Arg (NM_001243233.2, NM_001330605.3, NM_001348212.2 and 1 more transcripts); c.619G>A, p.Gly207Arg (NM_001243234.2, NM_001243235.2, NM_001243236.2 and 1 more transcripts); and 6 more; short protein forms G469R, G325R, G366R, G373R, G151R, G237R, G296R, G342R.
Identifiers: ClinVar variation 2119883 (VCV002119883.4), dbSNP rs1324647610, ClinGen allele CA402534328.

ClinVar aggregate classification (germline): Uncertain significance (1 of 4 stars; one submission).

Conditions:
Pitt-Hopkins syndrome (PTHS). Also called: ENCEPHALOPATHY, SEVERE EPILEPTIC, WITH AUTONOMIC DYSFUNCTION; MENTAL RETARDATION, SYNDROMAL, WITH INTERMITTENT HYPERVENTILATION. Identifiers: Orphanet 2896, MedGen C1970431, MONDO:0012589, OMIM 610954.

Allele frequency attached by ClinVar (database versions not stated): gnomAD exomes below 0.00001.
gnomAD v4.1: 1 of 1,613,728 alleles (0.000062%); highest among the groups gnomAD compares: Non-Finnish European, 0.000085%; no homozygotes.

Submission:

Labcorp Genetics (formerly Invitae), Labcorp
Classification: Uncertain significance for Pitt-Hopkins syndrome. Last evaluated: 2022-03-31. Review status: criteria provided, single submitter. Criteria: Invitae Variant Classification Sherloc (09022015). Collection method: clinical testing. Allele origin: germline.
Comment: This sequence change replaces glycine, which is neutral and non-polar, with arginine, which is basic and polar, at codon 367 of the TCF4 protein (p.Gly367Arg). In summary, the available evidence is currently insufficient to determine the role of this variant in disease. Therefore, it has been classified as a Variant of Uncertain Significance. Algorithms developed to predict the effect of missense changes on protein structure and function are either unavailable or do not agree on the potential impact of this missense change (SIFT: "Deleterious"; PolyPhen-2: "Probably Damaging"; Align-GVGD: "Class C0"). This variant has not been reported in the literature in individuals affected with TCF4-related conditions. This variant is not present in population databases (gnomAD no frequency).